The following is an entry in ClinVar:

NM_018012.4(KIF26B):c.171G>A (p.Glu57=)

Gene: KIF26B (kinesin family member 26B; plus strand). Cytogenetic location: 1q44.
Variant type: single nucleotide variant.
Coding change: c.171G>A on transcript NM_018012.4 (MANE Select); coding-DNA position 171, G replaced by A.
Protein change: p.Glu57=; no amino-acid change (glutamic acid 57 retained).
Molecular consequence: synonymous variant.
Genome position (GRCh38, 1-based): chr1:245,156,389, G>A. VCF-style: chr1-245156389-G-A. GRCh37 (hg19) VCF-style: chr1-245319691-G-A.
Identifiers: ClinVar variation 3033898 (VCV003033898.2), dbSNP rs533597039, ClinGen allele CA1487365.
Genomic context (GRCh38, chr1:245,156,389, plus strand): 5'-GGAAAGCTGGTACCGGAAAGCATACGAGGAGTCGCGCGCCGGCAGCCGGCCCACTCCTGA[G>A]GGCGCGGGCTCAGCGCTCGGCTCCTCGGGGACCCCGTCTCCCGGCTCGGGCACCTCGTCC-3'
Protein context (NP_060482.2, residues 47-67): ESRAGSRPTP[Glu57=]GAGSALGSSG

ClinVar aggregate classification (germline): Benign (0 of 4 stars; one submission).

Conditions:
KIF26B-related disorder. Also called: KIF26B-related condition.

Allele frequency attached by ClinVar (database versions not stated): TOPMed 0.00070; gnomAD 0.00133; gnomAD exomes 0.00206; 1000 Genomes Project 30x 0.00250; 1000 Genomes Project 0.00319; ExAC 0.01960.
gnomAD v4.1: 3,102 of 1,541,568 alleles (0.2%); highest among the groups gnomAD compares: South Asian, 2.6%; 51 homozygotes.

Submission:

PreventionGenetics, part of Exact Sciences
Classification: Benign for KIF26B-related condition. Last evaluated: 2019-08-09. Review status: no assertion criteria provided. Collection method: clinical testing. Allele origin: germline.
Comment: This variant is classified as benign based on ACMG/AMP sequence variant interpretation guidelines (Richards et al. 2015 PMID: 25741868, with internal and published modifications).